The following is an entry in ClinVar:

ClinVar aggregate classification (germline): Uncertain significance (1 of 4 stars; one submission).

Submission:

GeneDx
Classification: Uncertain significance. Last evaluated: 2025-06-11. Review status: criteria provided, single submitter. Criteria: GeneDx Variant Classification Process June 2021. Collection method: clinical testing. Allele origin: germline. Affected: yes.
Comment: Not observed at significant frequency in large population cohorts (gnomAD); In silico analysis supports that this missense variant has a deleterious effect on protein structure/function; Has not been previously published as pathogenic or benign to our knowledge

NM_145239.3(PRRT2):c.716C>T (p.Pro239Leu)

Genes: MVP-DT (MVP divergent transcript; minus strand), PRRT2 (proline rich transmembrane protein 2; plus strand). Cytogenetic location: 16p11.2.
Variant type: single nucleotide variant.
Coding change: c.716C>T on transcript NM_145239.3 (MANE Select); coding-DNA position 716, C replaced by T.
Protein change: p.Pro239Leu; replaces proline 239 with leucine.
Molecular consequence: missense variant.
Genome position (GRCh38, 1-based): chr16:29,813,770, C>T. VCF-style: chr16-29813770-C-T. GRCh37 (hg19) VCF-style: chr16-29825091-C-T.
Other names: c.716C>T, p.Pro239Leu (NM_001256442.2, NM_001256443.2, NM_001438120.1 and 2 more transcripts); short protein forms P239L.
Identifiers: ClinVar variation 4537672 (VCV004537672.1).